The following is an entry in ClinVar:

Conditions:
Breast-ovarian cancer, familial, susceptibility to, 1 (BROVCA1). Also called: BRCA1 Hereditary Breast and Ovarian Cancer; OVARIAN CANCER, SUSCEPTIBILITY TO. Identifiers: Orphanet 145, MedGen C2676676, MONDO:0011450, OMIM 604370. Disease mechanism: loss of function.

Submission:

Brotman Baty Institute, University of Washington
No classification provided (evidence only). Condition: Breast-ovarian cancer, familial 1. Review status: no classification provided. Collection method: in vitro. Allele origin: not applicable. Functional consequence: functionally_normal.
ClinVar note: "not provided" was previously submitted as the classification for the variant. However, the classification appeared to be based only on an observation of functional data so it was converted to no classification on 2025-07-30.

NM_007294.4(BRCA1):c.5132A>G (p.Lys1711Arg)

Gene: BRCA1 (BRCA1 DNA repair associated; minus strand). Cytogenetic location: 17q21.31.
Variant type: single nucleotide variant.
Coding change: c.5132A>G on transcript NM_007294.4 (MANE Select); coding-DNA position 5132, A replaced by G.
Protein change: p.Lys1711Arg; replaces lysine 1711 with arginine.
Molecular consequence: missense variant. On other transcripts: non-coding transcript variant (1).
Genome position (GRCh38, 1-based): chr17:43,063,894, T>C on the plus strand (A>G on the coding strand, the complement: BRCA1 is on the minus strand). VCF-style: chr17-43063894-T-C. GRCh37 (hg19) VCF-style: chr17-41215911-T-C.
Other names: c.5129A>G, p.Lys1710Arg (NM_001407612.1, NM_001407613.1, NM_001407614.1 and 17 more transcripts); c.5126A>G, p.Lys1709Arg (NM_001407631.1, NM_001407632.1, NM_001407633.1 and 14 more transcripts); c.5054A>G, p.Lys1685Arg (NM_001407654.1, NM_001407655.1, NM_001407653.1); c.5051A>G, p.Lys1684Arg (NM_001407656.1, NM_001407657.1, NM_001407658.1); c.5048A>G, p.Lys1683Arg (NM_001407659.1, NM_001407660.1, NM_001407661.1 and 2 more transcripts); c.5006A>G, p.Lys1669Arg (NM_001407673.1, NM_001407674.1, NM_001407675.1 and 10 more transcripts); c.5003A>G, p.Lys1668Arg (NM_001407681.1, NM_001407682.1, NM_001407683.1 and 6 more transcripts); c.4991A>G, p.Lys1664Arg (NM_001407692.1, NM_001407694.1, NM_001407695.1 and 13 more transcripts); and 71 more; short protein forms K1732R, K607R, K1711R, K1664R, K1598R, K1621R, K1667R, K1670R.
Identifiers: ClinVar variation 864995 (VCV000864995.3), dbSNP rs2051914244, ClinGen allele CA10591279.